The following is an entry in ClinVar:

ClinVar aggregate classification (germline): Uncertain significance. Review status: criteria provided, multiple submitters, no conflicts (2 of 4 stars). 3 submissions from 3 submitters: Uncertain significance (3). Last evaluated 2026-04-06.

Conditions:
Inborn genetic diseases. Identifiers: MedGen C0950123, MeSH D030342.

Submissions (3):

Women's Health and Genetics/Laboratory Corporation of America, LabCorp
Classification: Uncertain significance. Last evaluated: 2026-04-06. Review status: criteria provided, single submitter. Criteria: LabCorp Variant Classification Summary - May 2015. Collection method: clinical testing. Allele origin: germline.
Comment: Variant summary: DNM1 c.701T>G (p.Val234Gly) results in a non-conservative amino acid change in the encoded protein sequence. Algorithms developed to predict the effect of missense changes on protein structure and function all suggest that this variant is likely to be disruptive. The variant was absent in 251496 control chromosomes. The available data on variant occurrences in the general population are insufficient to allow any conclusion about variant significance. To our knowledge, no occurrence of c.701T>G in individuals affected with DNM1-related conditions and no experimental evidence demonstrating its impact on protein function have been reported. ClinVar contains an entry for this variant (Variation ID: 2577737). Based on the evidence outlined above, the variant was classified as uncertain significance.

Ambry Genetics
Classification: Uncertain significance for Inborn genetic diseases. Last evaluated: 2025-11-24. Review status: criteria provided, single submitter. Criteria: Ambry Variant Classification Scheme 2023. Collection method: clinical testing. Allele origin: germline.

GeneDx
Classification: Uncertain significance. Last evaluated: 2023-02-26. Review status: criteria provided, single submitter. Criteria: GeneDx Variant Classification Process June 2021. Collection method: clinical testing. Allele origin: germline. Affected: yes.
Comment: Not observed at significant frequency in large population cohorts (gnomAD); In silico analysis supports that this missense variant has a deleterious effect on protein structure/function; Has not been previously published as pathogenic or benign to our knowledge

NM_004408.4(DNM1):c.701T>G (p.Val234Gly)

Gene: DNM1 (dynamin 1; plus strand). Cytogenetic location: 9q34.11.
Variant type: single nucleotide variant.
Coding change: c.701T>G on transcript NM_004408.4 (MANE Select); coding-DNA position 701, T replaced by G.
Protein change: p.Val234Gly; replaces valine 234 with glycine.
Molecular consequence: missense variant.
Genome position (GRCh38, 1-based): chr9:128,220,193, T>G. VCF-style: chr9-128220193-T-G. GRCh37 (hg19) VCF-style: chr9-130982472-T-G.
Other names: c.701T>G, p.Val234Gly (NM_001005336.3, NM_001288737.2, NM_001288738.2 and 2 more transcripts); c.701T>G (NM_004408.2); short protein forms V234G.
Identifiers: ClinVar variation 2577737 (VCV002577737.3), dbSNP rs2538984935, ClinGen allele CA375012919.
Genomic context (GRCh38, chr9:128,220,193, plus strand): 5'-TTCCCCTCCTCTTGAGGCTGGTTGCCCTGACCTTGATACTGTTCACAGGCTACATTGGAG[T>G]GGTGAACCGGAGCCAGAAGGACATTGATGGCAAGAAGGACATTACCGCCGCCTTGGCTGC-3'
Protein context (NP_004399.2, residues 224-244): LLPLRRGYIG[Val234Gly]VNRSQKDIDG